The following is an entry in ClinVar:

NM_001042492.3(NF1):c.40_52del (p.Val14fs)

Genes: MIR4733HG (MIR4733 host gene; minus strand), NF1 (neurofibromin 1; plus strand), LOC111811965 (NF1 (neurofibromin 1) promoter region; plus strand). Cytogenetic location: 17q11.2.
Variant type: Deletion.
Coding change: c.40_52del on transcript NM_001042492.3 (MANE Select); coding-DNA positions 40 to 52, 13 bases deleted (GTCAGCCGCTTCG).
Protein change: p.Val14fs; shifts the reading frame from valine 14.
Molecular consequence: frameshift variant. On other transcripts: non-coding transcript variant (1).
Genome position (GRCh38, 1-based): chr17:31,095,349-31,095,361, GTCAGCCGCTTCG deleted; deleting any 13 consecutive bases within chr17:31,095,348-31,095,361 gives the same sequence; the c. name uses the placement nearest the transcript's 3' end. VCF-style (leftmost placement, unchanged base first): chr17-31095347-TGGTCAGCCGCTTC-T. GRCh37 (hg19) VCF-style: chr17-29422365-TGGTCAGCCGCTTC-T.
Other names: c.40_52del13 (NM_000267.3); c.40_52delGTCAGCCGCTTCG, p.Val14Thrfs (NM_000267.4); c.40_52del, p.Val14fs (NM_001128147.3); short protein forms V14fs.
Identifiers: ClinVar variation 3404732 (VCV003404732.1).

ClinVar aggregate classification (germline): Pathogenic (1 of 4 stars; one submission).

Conditions:
Hereditary cancer-predisposing syndrome. Also called: Hereditary Cancer Syndrome; Tumor predisposition; Hereditary neoplastic syndrome; Neoplastic Syndromes, Hereditary. Identifiers: Orphanet 140162, MedGen C0027672, MeSH D009386, MONDO:0015356.
Cardiovascular phenotype. Identifiers: MedGen CN230736.

Submission:

Ambry Genetics
Classification: Pathogenic for Cardiovascular phenotype; Hereditary cancer-predisposing syndrome. Last evaluated: 2024-09-19. Review status: criteria provided, single submitter. Criteria: Ambry Variant Classification Scheme 2023. Collection method: clinical testing. Allele origin: germline.
Comment: The c.40_52del13 pathogenic mutation, located in coding exon 1 of the NF1 gene, results from a deletion of 13 nucleotides at nucleotide positions 40 to 52, causing a translational frameshift with a predicted alternate stop codon (p.V14Tfs*6). This variant has been observed in at least one individual with a personal and/or family history that is consistent with neurofibromatosis type 1 (Ambry internal data). This variant is considered to be rare based on population cohorts in the Genome Aggregation Database (gnomAD). This alteration is expected to result in loss of function by premature protein truncation or nonsense-mediated mRNA decay. As such, this alteration is interpreted as a disease-causing mutation.